The following is an entry in ClinVar:

ClinVar aggregate classification (germline): Likely pathogenic (1 of 4 stars; one submission).

Submission:

Dasa
Classification: Likely pathogenic. Last evaluated: 2025-10-31. Review status: criteria provided, single submitter. Criteria: DASA Assertion Criteria. Collection method: clinical testing. Allele origin: germline.
Comment: NM_024426.6(WT1):c.58del (p.Gln20Serfs*29) is a frameshift variant in WT1 predicted to alter the reading frame and introduce a premature termination codon and is predicted to result in an absent or altered protein product. Loss of function is an established disease mechanism for WT1 (PMID: 25613702; PMID: 17551084; PMID: 15503171). Also, this variant is absent from population databases. Based on the currently available evidence, this variant is classified as likely pathogenic.

Literature cited by the submitters: PubMed 25613702; PubMed 17551084; PubMed 15503171.

NM_024426.6(WT1):c.58del (p.Gln20fs)

Genes: WT1 (WT1 transcription factor; minus strand), LOC107982234 (WT1/WT1-AS bi-directional promoter region; plus strand). Cytogenetic location: 11p13.
Variant type: Deletion.
Coding change: c.58del on transcript NM_024426.6 (MANE Select); coding-DNA position 58, one base deleted (C; older notation c.58delC).
Protein change: p.Gln20fs; shifts the reading frame from glutamine 20.
Molecular consequence: frameshift variant. On other transcripts: 5 prime UTR variant (4), non-coding transcript variant (2).
Genome position (GRCh38, 1-based): chr11:32,435,303, G deleted on the plus strand (C on the coding strand, the reverse complement: WT1 is on the minus strand). VCF-style (leftmost placement, unchanged base first): chr11-32435302-TG-T. GRCh37 (hg19) VCF-style: chr11-32456848-TG-T.
Other names: c.58del, p.Gln20fs (NM_000378.6, NM_001407044.1, NM_001407045.1 and 6 more transcripts); c.-162del (NM_001429031.1, NM_001429032.1, NM_001429033.1 and 1 more transcripts); short protein forms Q20fs.
Identifiers: ClinVar variation 4886482 (VCV004886482.2).